The following is an entry in ClinVar:

NM_152295.5(TARS1):c.197C>T (p.Ala66Val)

Gene: TARS1 (threonyl-tRNA synthetase 1; plus strand). Cytogenetic location: 5p13.3.
Variant type: single nucleotide variant.
Coding change: c.197C>T on transcript NM_152295.5 (MANE Select); coding-DNA position 197, C replaced by T.
Protein change: p.Ala66Val; replaces alanine 66 with valine.
Molecular consequence: missense variant. On other transcripts: non-coding transcript variant (2).
Genome position (GRCh38, 1-based): chr5:33,448,599, C>T. VCF-style: chr5-33448599-C-T. GRCh37 (hg19) VCF-style: chr5-33448705-C-T.
Other names: c.197C>T, p.Ala66Val (NM_001258437.1, NM_001258438.2); c.161C>T, p.Ala54Val (NM_003191.1); short protein forms A54V, A66V.
Identifiers: ClinVar variation 3045118 (VCV003045118.2), dbSNP rs145179934, ClinGen allele CA3222942.

ClinVar aggregate classification (germline): Likely benign (0 of 4 stars; one submission).

Conditions:
TARS1-related disorder. Also called: TARS1-related condition.

Allele frequency attached by ClinVar (database versions not stated): gnomAD exomes 0.00009; ExAC 0.00027; ESP Exome Variant Server 0.00062; 1000 Genomes Project 0.00080; 1000 Genomes Project 30x 0.00094; gnomAD 0.00105; TOPMed 0.00124.
gnomAD v4.1: 308 of 1,613,562 alleles (0.019%); highest among the groups gnomAD compares: African/African-American, 0.35%; 1 homozygote.

Submission:

PreventionGenetics, part of Exact Sciences
Classification: Likely benign for TARS1-related condition. Last evaluated: 2023-05-22. Review status: no assertion criteria provided. Collection method: clinical testing. Allele origin: germline.
Comment: This variant is classified as likely benign based on ACMG/AMP sequence variant interpretation guidelines (Richards et al. 2015 PMID: 25741868, with internal and published modifications).